The following is an entry in ClinVar:

NM_004329.3(BMPR1A):c.1341A>C (p.Gly447=)

Gene: BMPR1A (bone morphogenetic protein receptor type 1A; plus strand). Cytogenetic location: 10q23.2.
Variant type: single nucleotide variant.
Coding change: c.1341A>C on transcript NM_004329.3 (MANE Select); coding-DNA position 1341, A replaced by C.
Protein change: p.Gly447=; no amino-acid change (glycine 447 retained).
Molecular consequence: synonymous variant. On other transcripts: non-coding transcript variant (3).
Genome position (GRCh38, 1-based): chr10:86,921,694, A>C. VCF-style: chr10-86921694-A-C. GRCh37 (hg19) VCF-style: chr10-88681451-A-C.
Other names: c.1416A>C, p.Gly472= (NM_001406559.1); c.1389A>C, p.Gly463= (NM_001406560.1); c.1341A>C, p.Gly447= (NM_001406561.1, NM_001406562.1, NM_001406563.1 and 19 more transcripts); c.1335A>C, p.Gly445= (NM_001406583.1); c.1257A>C, p.Gly419= (NM_001406584.1, NM_001406585.1, NM_001406586.1 and 2 more transcripts); c.999A>C, p.Gly333= (NM_001406589.1).
Identifiers: ClinVar variation 4842479 (VCV004842479.1).

ClinVar aggregate classification (germline): Uncertain significance (1 of 4 stars; one submission).

Conditions:
Hereditary cancer-predisposing syndrome. Also called: Neoplastic Syndromes, Hereditary; Tumor predisposition; Hereditary Cancer Syndrome; Hereditary neoplastic syndrome. Identifiers: Orphanet 140162, MedGen C0027672, MeSH D009386, MONDO:0015356.

Submission:

Ambry Genetics
Classification: Uncertain significance for Hereditary cancer-predisposing syndrome. Last evaluated: 2025-12-19. Review status: criteria provided, single submitter. Criteria: Ambry Variant Classification Scheme 2023. Collection method: clinical testing. Allele origin: germline.
Comment: The c.1341A>C variant (also known as p.G447G), located in coding exon 9 of the BMPR1A gene, results from an A to C substitution at nucleotide position 1341. This nucleotide substitution does not change the glycine at codon 447. This nucleotide position is well conserved in available vertebrate species. In silico splice site analysis predicts that this alteration may result in the creation or strengthening of a novel splice donor site; however, direct evidence is insufficient at this time (Ambry internal data). Based on the available evidence, the clinical significance of this variant remains unclear.